The following is an entry in ClinVar:

ClinVar aggregate classification (germline): Benign/Likely benign. Review status: criteria provided, multiple submitters, no conflicts (2 of 4 stars). 2 submissions from 2 submitters: Benign (1); Likely benign (1). Last evaluated 2024-07-23.

Conditions:
Familial cancer of breast. Also called: Hereditary breast cancer; BREAST CANCER, FAMILIAL; hereditary breast carcinoma. Identifiers: Orphanet 227535, MedGen C0346153, MONDO:0016419, OMIM 114480. Disease mechanism: loss of function.
Hereditary cancer-predisposing syndrome. Also called: Neoplastic Syndromes, Hereditary; Tumor predisposition; Hereditary Cancer Syndrome; Hereditary neoplastic syndrome. Identifiers: Orphanet 140162, MedGen C0027672, MeSH D009386, MONDO:0015356.

Submissions (2):

Myriad Genetics, Inc.
Classification: Benign for Familial cancer of breast. Last evaluated: 2024-07-23. Review status: criteria provided, single submitter. Criteria: Myriad Autosomal Dominant, Autosomal Recessive and X-Linked Classification Criteria (2023). Collection method: clinical testing. Allele origin: unknown.
Comment: This variant is considered benign. This variant is a silent/synonymous amino acid change and it is not expected to impact splicing.

Color Diagnostics, LLC DBA Color Health
Classification: Likely benign for Hereditary cancer-predisposing syndrome. Last evaluated: 2023-02-06. Review status: criteria provided, single submitter. Criteria: ACMG Guidelines, 2015. Collection method: clinical testing. Allele origin: germline.

NM_000465.4(BARD1):c.939T>A (p.Ser313=)

Gene: BARD1 (BRCA1 associated RING domain 1; minus strand). Cytogenetic location: 2q35.
Variant type: single nucleotide variant.
Coding change: c.939T>A on transcript NM_000465.4 (MANE Select); coding-DNA position 939, T replaced by A.
Protein change: p.Ser313=; no amino-acid change (serine 313 retained).
Molecular consequence: synonymous variant. On other transcripts: non-coding transcript variant (2), intron variant (3).
Genome position (GRCh38, 1-based): chr2:214,780,935, A>T on the plus strand (T>A on the coding strand, the complement: BARD1 is on the minus strand). VCF-style: chr2-214780935-A-T. GRCh37 (hg19) VCF-style: chr2-215645659-A-T.
Other names: c.882T>A, p.Ser294= (NM_001282543.2); c.159-28380T>A (NM_001282548.2); c.215+16126T>A (NM_001282545.2); c.364+11362T>A (NM_001282549.2).
Identifiers: ClinVar variation 2774790 (VCV002774790.3), dbSNP rs765858289, ClinGen allele CA431391505.
Genomic context (GRCh38, chr2:214,780,935, plus strand): 5'-AGAAATGGGACTGGAAAGTCTATTGTGATGGCCACGTTTTCCATTATTTTCTAATGGCAA[A>T]GATTTCTTAGATGTAAGATAATTTTTGCAGACCTTCTCAGGAGTCACTACTTCATTCCTG-3'
Protein context (NP_000456.2, residues 303-323): VCKNYLTSKK[Ser313=]LPLENNGKRG